The following is an entry in ClinVar:

ClinVar aggregate classification (germline): Uncertain significance (1 of 4 stars; one submission).

Conditions:
Hereditary cancer-predisposing syndrome. Also called: Hereditary Cancer Syndrome; Neoplastic Syndromes, Hereditary; Tumor predisposition; Hereditary neoplastic syndrome. Identifiers: Orphanet 140162, MedGen C0027672, MeSH D009386, MONDO:0015356.

Submission:

Ambry Genetics
Classification: Uncertain significance for Hereditary cancer-predisposing syndrome. Last evaluated: 2020-03-26. Review status: criteria provided, single submitter. Criteria: Ambry Variant Classification Scheme 2023. Collection method: clinical testing. Allele origin: germline.
Comment: The c.1201_1340+4571dup4711 gross duplication spans coding exon 8 into intron 8 in the MSH3 gene. The exact breakpoints of the duplication were not determined; however, additional RNA analysis identified this as a tandem duplication that is predicted to result in an in-frame insertion (Ambry internal data). The exact functional impact of these inserted amino acids is unknown at this time. Since supporting evidence is limited at this time, the clinical significance of this alteration remains unclear.

NM_002439.5(MSH3):c.1201_1340+4571dup

Gene: MSH3 (mutS homolog 3; plus strand). Cytogenetic location: 5q14.1.
Variant type: Duplication.
Coding change: c.1201_1340+4571dup on transcript NM_002439.5 (MANE Select); coding-DNA position 1201 through 4571 bases into the intron after coding-DNA position 1340, 4,711 bases duplicated.
Molecular consequence: splice donor variant.
Genome position (GRCh38, 1-based): chr5:80,678,954-80,683,664, 4,711 bases duplicated. GRCh37 (hg19): chr5:79,974,773-79,979,483.
Identifiers: ClinVar variation 1747554 (VCV001747554.2), ClinGen allele CA2580073648.